The following is an entry in ClinVar:

NC_012920.1(MT-ATP6):m.9151A>G

Gene: MT-ATP6 (mitochondrially encoded ATP synthase 6; plus strand).
Variant type: single nucleotide variant.
Genome position: chrM-9151-A-G.
Identifiers: ClinVar variation 693111 (VCV000693111.1), dbSNP rs879206297, ClinGen allele CA337098248.
Genomic context (GRCh38, chrMT:9,151, plus strand): 5'-ACACTTATCATCTTCACAATTCTAATTCTACTGACTATCCTAGAAATCGCTGTCGCCTTA[A>G]TCCAAGCCTACGTTTTCACACTTCTAGTAAGCCTCTACCTGCACGACAACACATAATGAC-3'

ClinVar aggregate classification (germline): Benign (1 of 4 stars; one submission).

Conditions:
Leigh syndrome (NULS). Also called: Leigh's necrotizing encephalopathy; Leigh's disease; Leigh Syndrome (mtDNA deletion); Leigh Disease; Subacute necrotizing encephalopathy; Necrotizing encephalopathy infantile subacute of Leigh. Identifiers: Orphanet 506, MedGen C2931891, MONDO:0009723, OMIM 256000.

Submission:

Wong Mito Lab, Molecular and Human Genetics, Baylor College of Medicine
Classification: Benign for Leigh syndrome. Last evaluated: 2019-10-17. Review status: criteria provided, single submitter. Criteria: Modified ACMG Guidelines (Unpublished). Collection method: clinical testing. Allele origin: germline.
Comment: The NC_012920.1:m.9151A>G (YP_003024031.1:p.Ile209Val) variant in MTATP6 gene is interpretated to be a Benign variant based on the modified ACMG guidelines (unpublished). This variant meets the following evidence codes: BS1, BS2